The following is an entry in ClinVar:

NM_001048174.2(MUTYH):c.1466_1467delinsAA (p.Cys489Ter)

Gene: MUTYH (mutY DNA glycosylase; minus strand). Cytogenetic location: 1p34.1.
Variant type: Indel.
Coding change: c.1466_1467delinsAA on transcript NM_001048174.2 (MANE Select); coding-DNA positions 1466 to 1467, GC replaced by AA.
Protein change: p.Cys489Ter; replaces cysteine 489 with a stop codon.
Molecular consequence: nonsense. On other transcripts: non-coding transcript variant (2).
Genome position (GRCh38, 1-based): chr1:45,329,405-45,329,406, GC replaced by TT on the plus strand (GC replaced by AA on the coding strand, the reverse complement: MUTYH is on the minus strand). VCF-style: chr1-45329405-GC-TT. GRCh37 (hg19) VCF-style: chr1-45795077-GC-TT.
Other names: c.1190_1191delinsAA, p.Cys397Ter (NM_001293196.2, NM_001293192.2); c.1121_1122delinsAA, p.Cys374Ter (NM_001350650.2, NM_001350651.2); c.1499_1500delGCinsAA, p.Cys500Ter (NM_001407069.1, NM_001407077.1); c.1466_1467delGCinsAA, p.Cys489Ter (NM_001407070.1, NM_001407072.1, NM_001407073.1 and 3 more transcripts); c.1469_1470delGCinsAA, p.Cys490Ter (NM_001407071.1, NM_001407078.1, NM_001407086.1); c.1382_1383delGCinsAA, p.Cys461Ter (NM_001407075.1); c.1487_1488delGCinsAA, p.Cys496Ter (NM_001407087.1); c.1190_1191delGCinsAA, p.Cys397Ter (NM_001407091.1); and 10 more; short protein forms C489*, C490*, C500*, C374*, C397*, C503*, C475*, C476*.
Identifiers: ClinVar variation 1775036 (VCV001775036.3), dbSNP rs587782716, ClinGen allele CA2580062912.

ClinVar aggregate classification (germline): Conflicting classifications of pathogenicity. Review status: criteria provided, conflicting classifications (1 of 4 stars). 2 submissions from 2 submitters: Likely pathogenic (1); Uncertain significance (1). Last evaluated 2025-07-23.

Conditions:
Familial adenomatous polyposis 2. Also called: MYH-associated polyposis; Adenomas, multiple colorectal; COLORECTAL ADENOMATOUS POLYPOSIS, AUTOSOMAL RECESSIVE; ADENOMAS, MULTIPLE COLORECTAL, AUTOSOMAL RECESSIVE; MUTYH Polyposis; FAP type 2. Identifiers: Orphanet 220460, Orphanet 247798, MedGen C3272841, MONDO:0012041, OMIM 608456.
Hereditary cancer-predisposing syndrome. Also called: Tumor predisposition; Neoplastic Syndromes, Hereditary; Hereditary Cancer Syndrome; Hereditary neoplastic syndrome. Identifiers: Orphanet 140162, MedGen C0027672, MeSH D009386, MONDO:0015356.

Submissions (2):

Labcorp Genetics (formerly Invitae), Labcorp
Classification: Likely pathogenic for Familial adenomatous polyposis 2. Last evaluated: 2025-07-23. Review status: criteria provided, single submitter. Criteria: Invitae Variant Classification Sherloc (09022015). Collection method: clinical testing. Allele origin: germline.
Comment: This sequence change creates a premature translational stop signal (p.Cys517*) in the MUTYH gene. While this is not anticipated to result in nonsense mediated decay, it is expected to disrupt the last 33 amino acid(s) of the MUTYH protein. Information on the frequency of this variant in the gnomAD database is not available, as this variant may be reported differently in the database. This premature translational stop signal has been observed in individual(s) with colorectal cancer (PMID: 35904628). ClinVar contains an entry for this variant (Variation ID: 1775036). This variant disrupts the conserved PCNA binding motif of the MUTYH protein, which has been shown to be critical for MUTYH-PCNA binding and repair efficiency (PMID: 11092888, 26377631, 11433026, 11864576). While functional studies have not been performed to directly test the effect of this variant on MUTYH protein function, this suggests that disruption of this region of the protein is causative of disease. In summary, the currently available evidence indicates that the variant is pathogenic, but additional data are needed to prove that conclusively. Therefore, this variant has been classified as Likely Pathogenic.

Ambry Genetics
Classification: Uncertain significance for Hereditary cancer-predisposing syndrome. Last evaluated: 2022-09-16. Review status: criteria provided, single submitter. Criteria: Ambry Variant Classification Scheme 2023. Collection method: clinical testing. Allele origin: germline.
Comment: The c.1550_1551delGCinsAA variant, located in coding exon 16 of the MUTYH gene, results from an in-frame deletion of GC and insertion of AA at nucleotide positions 1550 to 1551, causing a translational frameshift with a predicted alternate stop codon (p.C517*). This alteration occurs at the 3' terminus of theMUTYH gene, is not expected to trigger nonsense-mediated mRNAdecay, and only impacts the last 6% of the protein. The exact functional effect of this alteration is unknown. Based on internal structural analysis, C517* deletes the PCNA binding motif (QQVLDNFF) at amino acid positions 526 to 533 and is deleterious (Parker A et al. J Biol Chem, 2001 Feb;276:5547-55; Chang DY et al. J Biol Chem, 2002 Apr;277:11853-8; Ambry internal data). Since supporting evidence is limited at this time, the clinical significance of this alteration remains unclear.

Literature cited by the submitters: PubMed 35904628 (cited by Labcorp Genetics (formerly Invitae), Labcorp); PubMed 11092888 (cited by Labcorp Genetics (formerly Invitae), Labcorp); PubMed 26377631 (cited by Labcorp Genetics (formerly Invitae), Labcorp); PubMed 11433026 (cited by Labcorp Genetics (formerly Invitae), Labcorp); PubMed 11864576 (cited by Labcorp Genetics (formerly Invitae), Labcorp).